The following is an entry in ClinVar:

NM_020800.3(IFT80):c.1735T>G (p.Ser579Ala)

Genes: IFT80 (intraflagellar transport 80; minus strand), TRIM59-IFT80 (TRIM59-IFT80 readthrough (NMD candidate); minus strand). Cytogenetic location: 3q25.33.
Variant type: single nucleotide variant.
Coding change: c.1735T>G on transcript NM_020800.3 (MANE Select); coding-DNA position 1735, T replaced by G.
Protein change: p.Ser579Ala; replaces serine 579 with alanine.
Molecular consequence: missense variant. On other transcripts: non-coding transcript variant (3).
Genome position (GRCh38, 1-based): chr3:160,279,294, A>C on the plus strand (T>G on the coding strand, the complement: IFT80 is on the minus strand). VCF-style: chr3-160279294-A-C. GRCh37 (hg19) VCF-style: chr3-159997082-A-C.
Other names: c.1324T>G, p.Ser442Ala (NM_001190241.2, NM_001190242.2); short protein forms S579A, S442A.
Identifiers: ClinVar variation 3661714 (VCV003661714.2).

ClinVar aggregate classification (germline): Uncertain significance (1 of 4 stars; one submission).

Conditions:
Jeune thoracic dystrophy. Also called: Short-rib thoracic dysplasia; Jeune syndrome; Infantile thoracic dystrophy; Thoracic pelvic phalangeal dystrophy; Jeune's syndrome; Chondroectodermal dysplasia-like syndrome. Identifiers: Orphanet 474, MedGen C0265275, MONDO:0018770.

Submission:

Labcorp Genetics (formerly Invitae), Labcorp
Classification: Uncertain significance for Jeune thoracic dystrophy. Last evaluated: 2024-08-31. Review status: criteria provided, single submitter. Criteria: Invitae Variant Classification Sherloc (09022015). Collection method: clinical testing. Allele origin: germline.
Comment: This sequence change replaces serine, which is neutral and polar, with alanine, which is neutral and non-polar, at codon 579 of the IFT80 protein (p.Ser579Ala). This variant is not present in population databases (gnomAD no frequency). This variant has not been reported in the literature in individuals affected with IFT80-related conditions. Invitae Evidence Modeling of protein sequence and biophysical properties (such as structural, functional, and spatial information, amino acid conservation, physicochemical variation, residue mobility, and thermodynamic stability) indicates that this missense variant is not expected to disrupt IFT80 protein function with a negative predictive value of 80%. In summary, the available evidence is currently insufficient to determine the role of this variant in disease. Therefore, it has been classified as a Variant of Uncertain Significance.